The following is an entry in ClinVar:

ClinVar aggregate classification (germline): Conflicting classifications of pathogenicity. Review status: criteria provided, conflicting classifications (1 of 4 stars). 5 submissions from 5 submitters: Uncertain significance (1); Benign (1); Likely benign (1). 2 of the submissions do not count toward it. Last evaluated 2026-01-09.

Conditions:
DUOXA2-related disorder. Also called: DUOXA2-related condition.
Inborn genetic diseases. Identifiers: MedGen C0950123, MeSH D030342.
Congenital hypothyroidism. Identifiers: Orphanet 442, MedGen C0010308, MONDO:0018612, HP:0000851.

Allele frequency attached by ClinVar (database versions not stated): TOPMed 0.00033; ExAC 0.00038; ESP Exome Variant Server 0.00047; gnomAD exomes 0.00049 and 0.00025; gnomAD 0.00028 and 0.00030.
gnomAD v4.1: 454 of 1,613,766 alleles (0.028%); highest among the groups gnomAD compares: Middle Eastern, 0.016%; no homozygotes.

Submissions (5):

Labcorp Genetics (formerly Invitae), Labcorp
Classification: Benign. Last evaluated: 2026-01-09. Review status: criteria provided, single submitter. Criteria: Invitae Variant Classification Sherloc (09022015). Collection method: clinical testing. Allele origin: germline.

Ambry Genetics
Classification: Likely benign for Inborn genetic diseases. Last evaluated: 2021-07-26. Review status: criteria provided, single submitter. Criteria: Ambry Variant Classification Scheme 2023. Collection method: clinical testing. Allele origin: germline.

GeneDx
Classification: Uncertain significance. Last evaluated: 2016-12-05. Review status: criteria provided, single submitter. Criteria: GeneDx Variant Classification (06012015). Collection method: clinical testing. Allele origin: germline. Affected: yes.
Comment: The L155V variant in the DUOXA2 gene has not been reported previously as a pathogenic variant, nor as a benign variant, to our knowledge. The L155V variant was not observed at any significant frequency in approximately 6,400 individuals of European and African American ancestry by the NHLBI Exome Sequencing Project. The L155V variant is a conservative amino acid substitution, which is not likely to impact secondary protein structure as these residues share similar properties. This substitution occurs at a position that is conserved across species. In silico analysis is inconsistent in its predictions as to whether or not the variant is damaging to the protein structure/function. We interpret L155V as a variant of uncertain significance.

PreventionGenetics, part of Exact Sciences
Classification: Benign for DUOXA2-related condition. Last evaluated: 2024-07-23. Review status: no assertion criteria provided. Collection method: clinical testing. Allele origin: germline. Not counted in ClinVar's aggregate classification.
Comment: This variant is classified as benign based on ACMG/AMP sequence variant interpretation guidelines (Richards et al. 2015 PMID: 25741868, with internal and published modifications).

Polak associated Lab, IMAGINE Institute
Classification: Pathogenic for Congenital hypothyroidism. Review status: no assertion criteria provided. Collection method: clinical testing. Allele origin: germline. Affected: yes. Not counted in ClinVar's aggregate classification.

NM_207581.4(DUOXA2):c.463C>G (p.Leu155Val)

Gene: DUOXA2 (dual oxidase maturation factor 2; plus strand). Cytogenetic location: 15q21.1.
Variant type: single nucleotide variant.
Coding change: c.463C>G on transcript NM_207581.4 (MANE Select); coding-DNA position 463, C replaced by G.
Protein change: p.Leu155Val; replaces leucine 155 with valine.
Molecular consequence: missense variant.
Genome position (GRCh38, 1-based): chr15:45,116,638, C>G. VCF-style: chr15-45116638-C-G. GRCh37 (hg19) VCF-style: chr15-45408836-C-G.
Other names: short protein forms L155V.
Identifiers: ClinVar variation 372358 (VCV000372358.11), dbSNP rs201808443, ClinGen allele CA7539405.